The following is an entry in ClinVar:

ClinVar aggregate classification (germline): Likely benign. Review status: criteria provided, multiple submitters, no conflicts (2 of 4 stars). 2 submissions from 2 submitters: Likely benign (2). Last evaluated 2026-06-26.

Conditions:
Sessile serrated polyposis cancer syndrome (SSPCS). Identifiers: Orphanet 157798, MedGen C4310714, MONDO:0014919, OMIM 617108.

gnomAD v4.1: 8 of 1,614,032 alleles (0.0005%); highest among the groups gnomAD compares: African/African-American, 0.011%; no homozygotes.

Submissions (2):

Myriad Genetics, Inc.
Classification: Likely benign for Sessile serrated polyposis cancer syndrome. Last evaluated: 2026-06-26. Review status: criteria provided, single submitter. Criteria: Myriad Autosomal Dominant, Autosomal Recessive and X-Linked Classification Criteria (2023). Collection method: clinical testing. Allele origin: unknown.
Comment: This variant is considered likely benign. This variant is intronic and is not expected to impact mRNA splicing.

Labcorp Genetics (formerly Invitae), Labcorp
Classification: Likely benign. Last evaluated: 2025-11-03. Review status: criteria provided, single submitter. Criteria: Invitae Variant Classification Sherloc (09022015). Collection method: clinical testing. Allele origin: germline.

NM_017763.6(RNF43):c.451-4G>A

Gene: RNF43 (ring finger protein 43; minus strand). Cytogenetic location: 17q22.
Variant type: single nucleotide variant.
Coding change: c.451-4G>A on transcript NM_017763.6 (MANE Select); 4 bases into the intron before coding-DNA position 451, G replaced by A.
Molecular consequence: intron variant.
Genome position (GRCh38, 1-based): chr17:58,363,410, C>T on the plus strand (G>A on the coding strand, the complement: RNF43 is on the minus strand). VCF-style: chr17-58363410-C-T. GRCh37 (hg19) VCF-style: chr17-56440771-C-T.
Other names: c.451-4G>A (NM_001438822.1, NM_001305544.3, NM_001438820.1 and 1 more transcripts); c.70-4G>A (NM_001305545.2, NM_001437987.1).
Identifiers: ClinVar variation 4751548 (VCV004751548.2).